The following is an entry in ClinVar:

NM_020987.5(ANK3):c.11912_11935del (p.Thr3971_Thr3978del)

Gene: ANK3 (ankyrin 3; minus strand). Cytogenetic location: 10q21.2.
Variant type: Deletion.
Coding change: c.11912_11935del on transcript NM_020987.5 (MANE Select); coding-DNA positions 11912 to 11935, 24 bases deleted (CTACCACCACTACCACCACCACCA).
Protein change: p.Thr3971_Thr3978del.
Molecular consequence: inframe deletion. On other transcripts: intron variant (4).
Genome position (GRCh38, 1-based): chr10:60,068,946-60,068,969, TGGTGGTGGTGGTAGTGGTGGTAG deleted on the plus strand (CTACCACCACTACCACCACCACCA on the coding strand, the reverse complement: ANK3 is on the minus strand); deleting any 24 consecutive bases within chr10:60,068,946-60,068,982 gives the same sequence; the c. name uses the placement nearest the transcript's 3' end. VCF-style (leftmost placement, unchanged base first): chr10-60068945-CTGGTGGTGGTGGTAGTGGTGGTAG-C. GRCh37 (hg19) VCF-style: chr10-61828703-CTGGTGGTGGTGGTAGTGGTGGTAG-C.
Other names: c.4388-960_4388-937del (NM_001204403.2); c.4409-960_4409-937del (NM_001204404.2); c.4406-960_4406-937del (NM_001320874.2); c.1808-960_1808-937del (NM_001149.4).
Identifiers: ClinVar variation 1949263 (VCV001949263.5), dbSNP rs767481717, ClinGen allele CA5511001.
Genomic context (GRCh38, chr10:60,068,945, plus strand): 5'-TATTCAATGGAATGTTTACATACTTCCTTGAGCTGACTTTTCCTAACTTTAACTGTGCAG[CTGGTGGTGGTGGTAGTGGTGGTAG>C]TGGTGGTGGTGGTGGCAGTGGTGGTGGTGGTAGTGACACAGGTGGATCTTACCTTTACTG-3'

ClinVar aggregate classification (germline): Uncertain significance (1 of 4 stars; one submission).

Submission:

Labcorp Genetics (formerly Invitae), Labcorp
Classification: Uncertain significance. Last evaluated: 2025-08-03. Review status: criteria provided, single submitter. Criteria: Invitae Variant Classification Sherloc (09022015). Collection method: clinical testing. Allele origin: germline.
Comment: This variant, c.11912_11935del, results in the deletion of 8 amino acid(s) of the ANK3 protein (p.Thr3971_Thr3978del), but otherwise preserves the integrity of the reading frame. The frequency data for this variant in the population databases is considered unreliable, as metrics indicate poor data quality at this position in the gnomAD database. This variant has not been reported in the literature in individuals affected with ANK3-related conditions. ClinVar contains an entry for this variant (Variation ID: 1949263). Experimental studies and prediction algorithms are not available or were not evaluated, and the functional significance of this variant is currently unknown. In summary, the available evidence is currently insufficient to determine the role of this variant in disease. Therefore, it has been classified as a Variant of Uncertain Significance.